The following is an entry in ClinVar:

ClinVar aggregate classification (germline): Likely pathogenic. Review status: criteria provided, single submitter (1 of 4 stars). 2 submissions from 2 submitters: Likely pathogenic (1). 1 of the submissions does not count toward it. Last evaluated 2025-06-12.

Conditions:
Autosomal recessive nonsyndromic hearing loss 1A (DFNB1A). Also called: Deafness, autosomal recessive 1A; GJB6-Related DFNB 1 Nonsyndromic Hearing Loss and Deafness; GJB2-Related Autosomal Recessive Nonsyndromic Hearing Loss; Connexin 26 deafness; Deafness nonsyndromic, Connexin 26 linked; Nonsyndromic Hearing Loss and Deafness, DFNB1. Identifiers: Orphanet 90636, MedGen C2673759, MONDO:0009076, OMIM 220290.

Submissions (2):

Natera, Inc.
Classification: Likely pathogenic for Autosomal recessive deafness type 1A. Last evaluated: 2025-06-12. Review status: criteria provided, single submitter. Criteria: Natera Variant Classification Schema (03/2026). Collection method: clinical testing. Allele origin: germline.
Comment: The c.130_131delTG variant in GJB2 is a frameshift variant predicted to shift the reading frame beginning at codon 44 and leads to a stop codon 3 codons downstream. This variant is expected to result in nonsense mediated decay, truncation, or a dysfunctional protein product. This variant is rare in the general population with a frequency below the threshold expected for the associated phenotype(s). Given the available evidence, this variant is classified as Likely Pathogenic.

Counsyl
Classification: Likely pathogenic for Autosomal recessive nonsyndromic hearing loss 1A. Last evaluated: 2017-04-21. Review status: no assertion criteria provided. Collection method: clinical testing. Allele origin: unknown. Not counted in ClinVar's aggregate classification.

NM_004004.6(GJB2):c.130_131del (p.Trp44fs)

Gene: GJB2 (gap junction protein beta 2; minus strand). Cytogenetic location: 13q12.11.
Variant type: Microsatellite.
Coding change: c.130_131del on transcript NM_004004.6 (MANE Select); coding-DNA positions 130 to 131, 2 bases deleted (TG; older notation c.130_131delTG).
Protein change: p.Trp44fs; shifts the reading frame from tryptophan 44.
Molecular consequence: frameshift variant.
Genome position (GRCh38, 1-based): chr13:20,189,451-20,189,452, CA deleted on the plus strand (TG on the coding strand, the reverse complement: GJB2 is on the minus strand); deleting any 2 consecutive bases within chr13:20,189,451-20,189,455 gives the same sequence; the c. name uses the placement nearest the transcript's 3' end. VCF-style (leftmost placement, unchanged base first): chr13-20189450-CCA-C. GRCh37 (hg19) VCF-style: chr13-20763589-CCA-C.
Other names: short protein forms W44fs.
Identifiers: ClinVar variation 549983 (VCV000549983.3), dbSNP rs1555341993, ClinGen allele CA658823494.